The following is an entry in ClinVar:

NM_000136.3(FANCC):c.609C>T (p.Leu203=)

Genes: AOPEP (aminopeptidase O (putative); plus strand), FANCC (FA complementation group C; minus strand). Cytogenetic location: 9q22.32.
Variant type: single nucleotide variant.
Coding change: c.609C>T on transcript NM_000136.3 (MANE Select); coding-DNA position 609, C replaced by T.
Protein change: p.Leu203=; no amino-acid change (leucine 203 retained).
Molecular consequence: synonymous variant.
Genome position (GRCh38, 1-based): chr9:95,150,000, G>A on the plus strand (C>T on the coding strand, the complement: FANCC is on the minus strand). VCF-style: chr9-95150000-G-A. GRCh37 (hg19) VCF-style: chr9-97912282-G-A.
Other names: c.609C>T, p.Leu203= (NM_001243743.2, NM_001243744.2).
Identifiers: ClinVar variation 219714 (VCV000219714.52), dbSNP rs567226063, ClinGen allele CA349426.

ClinVar aggregate classification (germline): Conflicting classifications of pathogenicity. Review status: criteria provided, conflicting classifications (1 of 4 stars). 12 submissions from 12 submitters: Uncertain significance (1); Likely benign (9). 2 of the submissions do not count toward it. Last evaluated 2026-01-21.

Conditions:
Hereditary cancer-predisposing syndrome. Also called: Neoplastic Syndromes, Hereditary; Hereditary Cancer Syndrome; Tumor predisposition; Hereditary neoplastic syndrome. Identifiers: Orphanet 140162, MedGen C0027672, MeSH D009386, MONDO:0015356.
Fanconi anemia (FA). Also called: Fanconi's anemia. Identifiers: Orphanet 84, MedGen C0015625, MeSH D005199, MONDO:0019391.
Fanconi anemia complementation group C (FANCC). Also called: FANCONI PANCYTOPENIA, TYPE 3; FACC; Fanconi anemia, group C; FANCC-Related Fanconi Anemia. Identifiers: Orphanet 84, MedGen C3468041, MONDO:0009213, OMIM 227645.

Allele frequency attached by ClinVar (database versions not stated): gnomAD 0.00006 and 0.00007; TOPMed 0.00006; gnomAD exomes 0.00007 and 0.00008; ExAC 0.00009.
gnomAD v4.1: 118 of 1,613,860 alleles (0.0073%); highest among the groups gnomAD compares: South Asian, 0.02%; no homozygotes.

Submissions (12):

Labcorp Genetics (formerly Invitae), Labcorp
Classification: Likely benign for Fanconi anemia. Last evaluated: 2026-01-21. Review status: criteria provided, single submitter. Criteria: Invitae Variant Classification Sherloc (09022015). Collection method: clinical testing. Allele origin: germline.

Quest Diagnostics Nichols Institute San Juan Capistrano
Classification: Likely benign. Last evaluated: 2025-02-05. Review status: criteria provided, single submitter. Criteria: Quest Diagnostics criteria. Collection method: clinical testing. Allele origin: unknown.

Blueprint Genetics
Classification: Likely benign. Last evaluated: 2024-11-04. Review status: criteria provided, single submitter. Criteria: ACMG Guidelines, 2015. Collection method: clinical testing. Allele origin: germline.

KCCC/NGS Laboratory, Kuwait Cancer Control Center
Classification: Likely benign for Fanconi anemia complementation group C. Last evaluated: 2023-07-07. Review status: criteria provided, single submitter. Criteria: ACMG Guidelines, 2015. Collection method: clinical testing. Allele origin: germline. Affected: yes.

CeGaT Center for Human Genetics Tuebingen
Classification: Likely benign. Last evaluated: 2022-11-01. Review status: criteria provided, single submitter. Criteria: CeGaT Center For Human Genetics Tuebingen Variant Classification Criteria Version 2. Collection method: clinical testing. Allele origin: germline. Affected: yes. Observed: 1 variant allele.
Comment: FANCC: BP4, BP7

Sema4
Classification: Likely benign for Fanconi anemia. Last evaluated: 2021-12-08. Review status: criteria provided, single submitter. Criteria: Sema4 Curation Guidelines. Collection method: curation. Allele origin: germline.

GeneDx
Classification: Likely benign. Last evaluated: 2020-12-01. Review status: criteria provided, single submitter. Criteria: GeneDx Variant Classification Process June 2021. Collection method: clinical testing. Allele origin: germline. Affected: yes.
Comment: This variant is associated with the following publications: (PMID: 23028338, 21279724)

Women's Health and Genetics/Laboratory Corporation of America, LabCorp
Classification: Likely benign. Last evaluated: 2020-01-31. Review status: criteria provided, single submitter. Criteria: LabCorp Variant Classification Summary - May 2015. Collection method: clinical testing. Allele origin: germline.

Ambry Genetics
Classification: Likely benign for Hereditary cancer-predisposing syndrome. Last evaluated: 2019-03-08. Review status: criteria provided, single submitter. Criteria: Ambry Variant Classification Scheme 2023. Collection method: clinical testing. Allele origin: germline.

Illumina Laboratory Services, Illumina
Classification: Uncertain significance for Fanconi anemia complementation group C. Last evaluated: 2018-01-12. Review status: criteria provided, single submitter. Criteria: ICSL Variant Classification Criteria 13 December 2019. Collection method: clinical testing. Allele origin: germline.

Natera, Inc.
Classification: Likely benign for Fanconi anemia, group C. Last evaluated: 2020-09-16. Review status: no assertion criteria provided. Collection method: clinical testing. Allele origin: germline. Not counted in ClinVar's aggregate classification.

Department of Pathology and Laboratory Medicine, Sinai Health System
Classification: Likely benign. Review status: no assertion criteria provided. Collection method: clinical testing. Allele origin: unknown. Affected: yes. Study: The Canadian Open Genetics Repository (COGR). Not counted in ClinVar's aggregate classification.
Comment: The FANCC p.Leu203= variant was identified in 1 of 380 proband chromosomes (frequency: 0.003) from individuals or families with Esophageal Squamous Cell Carcinoma (Akbari Mohammadreza 2011). The variant was also identified in dbSNP (ID: rs567226063 as "With Likely benign allele"), and ClinVar (2x as likely benign by Invitae and GeneDx). The variant was not identified in Cosmic or LOVD 3.0. The variant was identified in control databases in 20 of 276800 chromosomes at a frequency of 0.00007 (Genome Aggregation Database Feb 27, 2017). The variant was observed in the following populations: Other in 2 of 6456 chromosomes (freq: 0.0003), Latino in 3 of 34386 chromosomes (freq: 0.00009), European in 9 of 126496 chromosomes (freq: 0.00007), and South Asian in 6 of 30688 chromosomes (freq: 0.0002), while the variant was not observed in the African, Ashkenazi Jewish, East Asian, or Finnish populations. The p.Leu203= variant is not expected to have clinical significance because it does not result in a change of amino acid and is not located in a known consensus splice site. In addition, 5 of 5 in silico or computational prediction software programs (SpliceSiteFinder, MaxEntScan, NNSPLICE, GeneSplicer, HumanSpliceFinder) do not predict a difference in splicing. In summary, based on the above information the clinical significance of this variant cannot be determined with certainty at this time although we would lean towards a more benign role for this variant. This variant is classified as likely benign.